The following is an entry in ClinVar:

NM_001083961.2(WDR62):c.2035-2A>G

Gene: WDR62 (WD repeat domain 62; plus strand). Cytogenetic location: 19q13.12.
Variant type: single nucleotide variant.
Coding change: c.2035-2A>G on transcript NM_001083961.2 (MANE Select); the canonical splice acceptor site of the intron before coding-DNA position 2035, A replaced by G.
Molecular consequence: splice acceptor variant.
Genome position (GRCh38, 1-based): chr19:36,091,198, A>G. VCF-style: chr19-36091198-A-G. GRCh37 (hg19) VCF-style: chr19-36582100-A-G.
Other names: c.2035-2A>G (NM_173636.5, NM_001411146.1); c.2020-2A>G (NM_001411145.1); c.1684-2A>G (NM_001411147.1).
Identifiers: ClinVar variation 2691894 (VCV002691894.3), dbSNP rs2513648734, ClinGen allele CA405442807.
Genomic context (GRCh38, chr19:36,091,198, plus strand): 5'-CAGGCCTCATCATAAGGAAGAAGCAGGCAGCTGGAGTGACATGTGGGTCCCTTTCCTGGC[A>G]GGTCCATGTGGACCCCTCAGGCACCTTCCTGGCCACCAGCTGCTCTGACAAAAGCATCTC-3'

ClinVar aggregate classification (germline): Pathogenic (1 of 4 stars; one submission).

Conditions:
Microcephaly 2, primary, autosomal recessive, with or without cortical malformations. Also called: MICROCEPHALY 2, PRIMARY, AUTOSOMAL RECESSIVE, WITH CORTICAL MALFORMATIONS; WDR62 Primary Microcephaly. Identifiers: Orphanet 2512, MedGen C1858535, MONDO:0011435, OMIM 604317.

Submission:

Institute of Human Genetics, University of Leipzig Medical Center
Classification: Pathogenic for Microcephaly 2, primary, autosomal recessive, with or without cortical malformations. Last evaluated: 2024-07-05. Review status: criteria provided, single submitter. Criteria: ACMG Guidelines, 2015. Collection method: clinical testing. Allele origin: paternal. Inheritance: Autosomal recessive inheritance. Affected: yes.
Comment: Criteria applied: PVS1,PM2, PM3